The following is an entry in ClinVar:

NM_032444.4(SLX4):c.2054T>G (p.Val685Gly)

Gene: SLX4 (SLX4 structure-specific endonuclease subunit; minus strand). Cytogenetic location: 16p13.3.
Variant type: single nucleotide variant.
Coding change: c.2054T>G on transcript NM_032444.4 (MANE Select); coding-DNA position 2054, T replaced by G.
Protein change: p.Val685Gly; replaces valine 685 with glycine.
Molecular consequence: missense variant.
Genome position (GRCh38, 1-based): chr16:3,594,559, A>C on the plus strand (T>G on the coding strand, the complement: SLX4 is on the minus strand). VCF-style: chr16-3594559-A-C. GRCh37 (hg19) VCF-style: chr16-3644560-A-C.
Other names: short protein forms V685G.
Identifiers: ClinVar variation 2170522 (VCV002170522.4), dbSNP rs761156104, ClinGen allele CA7866303.

ClinVar aggregate classification (germline): Uncertain significance (1 of 4 stars; one submission).

Conditions:
Fanconi anemia (FA). Also called: Fanconi's anemia. Identifiers: Orphanet 84, MedGen C0015625, MeSH D005199, MONDO:0019391.

Allele frequency attached by ClinVar (database versions not stated): gnomAD exomes 0.00001; TOPMed 0.00001; ExAC 0.00002.
gnomAD v4.1: 3 of 1,614,034 alleles (0.00019%); highest among the groups gnomAD compares: East Asian, 0.0067%; no homozygotes.

Submission:

Labcorp Genetics (formerly Invitae), Labcorp
Classification: Uncertain significance for Fanconi anemia. Last evaluated: 2024-01-01. Review status: criteria provided, single submitter. Criteria: Invitae Variant Classification Sherloc (09022015). Collection method: clinical testing. Allele origin: germline.
Comment: This sequence change replaces valine, which is neutral and non-polar, with glycine, which is neutral and non-polar, at codon 685 of the SLX4 protein (p.Val685Gly). This variant is present in population databases (rs761156104, gnomAD 0.02%). This variant has not been reported in the literature in individuals affected with SLX4-related conditions. ClinVar contains an entry for this variant (Variation ID: 2170522). An algorithm developed to predict the effect of missense changes on protein structure and function (PolyPhen-2) suggests that this variant is likely to be disruptive. In summary, the available evidence is currently insufficient to determine the role of this variant in disease. Therefore, it has been classified as a Variant of Uncertain Significance.